The following is an entry in ClinVar:

ClinVar aggregate classification (germline): Uncertain significance (1 of 4 stars; one submission).

Conditions:
Norman-Roberts syndrome (LIS2). Also called: Lissencephaly 2 (Norman-Roberts type). Identifiers: Orphanet 89844, MedGen C0796089, MONDO:0009760, OMIM 257320.
Familial temporal lobe epilepsy 7. Identifiers: Orphanet 101046, MedGen C4225327, MONDO:0014639, OMIM 616436.

gnomAD v4.1: 6 of 1,613,006 alleles (0.00037%); highest among the groups gnomAD compares: East Asian, 0.0022%; no homozygotes.

Submission:

Labcorp Genetics (formerly Invitae), Labcorp
Classification: Uncertain significance for Familial temporal lobe epilepsy 7; Norman-Roberts syndrome. Last evaluated: 2025-03-04. Review status: criteria provided, single submitter. Criteria: Invitae Variant Classification Sherloc (09022015). Collection method: clinical testing. Allele origin: germline.
Comment: This sequence change affects codon 768 of the RELN mRNA. It is a 'silent' change, meaning that it does not change the encoded amino acid sequence of the RELN protein. It affects a nucleotide within the consensus splice site. This variant is present in population databases (no rsID available, gnomAD 0.0009%). This variant has not been reported in the literature in individuals affected with RELN-related conditions. Algorithms developed to predict the effect of sequence changes on RNA splicing suggest that this variant is not likely to affect RNA splicing. In summary, the available evidence is currently insufficient to determine the role of this variant in disease. Therefore, it has been classified as a Variant of Uncertain Significance.

NM_005045.4(RELN):c.2304G>A (p.Arg768=)

Gene: RELN (reelin; minus strand). Cytogenetic location: 7q22.1.
Variant type: single nucleotide variant.
Coding change: c.2304G>A on transcript NM_005045.4 (MANE Select); coding-DNA position 2304, G replaced by A.
Protein change: p.Arg768=; no amino-acid change (arginine 768 retained).
Molecular consequence: synonymous variant.
Genome position (GRCh38, 1-based): chr7:103,635,586, C>T on the plus strand (G>A on the coding strand, the complement: RELN is on the minus strand). VCF-style: chr7-103635586-C-T. GRCh37 (hg19) VCF-style: chr7-103276033-C-T.
Other names: c.2304G>A, p.Arg768= (NM_173054.3).
Identifiers: ClinVar variation 4788600 (VCV004788600.1).
Genomic context (GRCh38, chr7:103,635,586, plus strand): 5'-AGGGGCTCTGCACGTGCTCAGAACAGATTTGCTCCCCAGTCTCAGTGTGAACTGGAGAAA[C>T]CTAGACAGAAATTGTCTATAATTAGTGTATGCATAAACATTTTTAATCATAATGTTCATT-3'
Protein context (NP_005036.2, residues 758-778): ITSFLDSSQS[Arg768=]FLQFTLRLGS